The following is an entry in ClinVar:

ClinVar aggregate classification (germline): Uncertain significance. Review status: criteria provided, multiple submitters, no conflicts (2 of 4 stars). 2 submissions from 2 submitters: Uncertain significance (2). Last evaluated 2023-08-10.

Conditions:
Muscular dystrophy-dystroglycanopathy (congenital with brain and eye anomalies), type A2. Also called: WALKER-WARBURG SYNDROME OR MUSCLE-EYE-BRAIN DISEASE, POMT2-RELATED; MUSCULAR DYSTROPHY-DYSTROGLYCANOPATHY (CONGENITAL WITH BRAIN AND EYE ANOMALIES), TYPE A, 2. Identifiers: Orphanet 588, Orphanet 899, MedGen C3150411, MONDO:0013154, OMIM 613150.
Muscular dystrophy-dystroglycanopathy (congenital with impaired intellectual development), type B, 2. Also called: Muscular dystrophy-dystroglycanopathy (congenital with intellectual disability), type B2; MUSCULAR DYSTROPHY, CONGENITAL, POMT2-RELATED. Identifiers: MedGen C3150416, MONDO:0013160, OMIM 613156.
Autosomal recessive limb-girdle muscular dystrophy type 2N. Also called: MUSCULAR DYSTROPHY-DYSTROGLYCANOPATHY, LIMB-GIRDLE, POMT2-RELATED; Muscular dystrophy-dystroglycanopathy (limb-girdle), type C, 2. Identifiers: Orphanet 206559, MedGen C3150418, MONDO:0013162, OMIM 613158.

gnomAD v4.1: 7 of 1,507,090 alleles (0.00046%); highest among the groups gnomAD compares: Non-Finnish European, 0.00054%; no homozygotes.

Submissions (2):

Labcorp Genetics (formerly Invitae), Labcorp
Classification: Uncertain significance for Muscular dystrophy-dystroglycanopathy (congenital with impaired intellectual development), type B, 2; Muscular dystrophy-dystroglycanopathy (congenital with brain and eye anomalies), type A2; Autosomal recessive limb-girdle muscular dystrophy type 2N. Last evaluated: 2023-08-10. Review status: criteria provided, single submitter. Criteria: Invitae Variant Classification Sherloc (09022015). Collection method: clinical testing. Allele origin: germline.
Comment: This sequence change replaces tryptophan, which is neutral and slightly polar, with arginine, which is basic and polar, at codon 695 of the POMT2 protein (p.Trp695Arg). The frequency data for this variant in the population databases is considered unreliable, as metrics indicate poor data quality at this position in the gnomAD database. This variant has not been reported in the literature in individuals affected with POMT2-related conditions. ClinVar contains an entry for this variant (Variation ID: 286812). Advanced modeling of protein sequence and biophysical properties (such as structural, functional, and spatial information, amino acid conservation, physicochemical variation, residue mobility, and thermodynamic stability) has been performed at Invitae for this missense variant, however the output from this modeling did not meet the statistical confidence thresholds required to predict the impact of this variant on POMT2 protein function. In summary, the available evidence is currently insufficient to determine the role of this variant in disease. Therefore, it has been classified as a Variant of Uncertain Significance.

Eurofins Ntd Llc (ga)
Classification: Uncertain significance. Last evaluated: 2016-03-17. Review status: criteria provided, single submitter. Criteria: EGL Classification Definitions 2015. Collection method: clinical testing. Allele origin: germline. Observed: 1 variant allele, 1 heterozygote.

NM_013382.7(POMT2):c.2083T>C (p.Trp695Arg)

Gene: POMT2 (protein O-mannosyltransferase 2; minus strand). Cytogenetic location: 14q24.3.
Variant type: single nucleotide variant.
Coding change: c.2083T>C on transcript NM_013382.7 (MANE Select); coding-DNA position 2083, T replaced by C.
Protein change: p.Trp695Arg; replaces tryptophan 695 with arginine.
Molecular consequence: missense variant.
Genome position (GRCh38, 1-based): chr14:77,278,458, A>G on the plus strand (T>C on the coding strand, the complement: POMT2 is on the minus strand). VCF-style: chr14-77278458-A-G. GRCh37 (hg19) VCF-style: chr14-77744801-A-G.
Other names: short protein forms W695R.
Identifiers: ClinVar variation 286812 (VCV000286812.9), dbSNP rs139308429, ClinGen allele CA10605576.
Genomic context (GRCh38, chr14:77,278,458, plus strand): 5'-AGGCAGTTCCCAGGAGCAGGCTCAGGATTCCCGCCACATGTATGCCCCTCGCCAGGGGCC[A>G]TGAGGCCAAGCCCCAGGCACAGAGCCGCAGGAGGGTGTCCCACAGAATGCCTAGAGGAGA-3'
Protein context (NP_037514.2, residues 685-705): LRLCAWGLAS[Trp695Arg]PLARGIHVAG